The following is an entry in ClinVar:

NM_001366145.2(TRPM3):c.3370T>G (p.Phe1124Val)

Gene: TRPM3 (transient receptor potential cation channel subfamily M member 3; minus strand). Cytogenetic location: 9q21.12.
Variant type: single nucleotide variant.
Coding change: c.3370T>G on transcript NM_001366145.2 (MANE Select); coding-DNA position 3370, T replaced by G.
Protein change: p.Phe1124Val; replaces phenylalanine 1124 with valine.
Molecular consequence: missense variant.
Genome position (GRCh38, 1-based): chr9:70,553,164, A>C on the plus strand (T>G on the coding strand, the complement: TRPM3 is on the minus strand). VCF-style: chr9-70553164-A-C. GRCh37 (hg19) VCF-style: chr9-73168080-A-C.
Other names: c.3334T>G, p.Phe1112Val (NM_001007471.4, NM_001366151.2); c.3340T>G, p.Phe1114Val (NM_001366141.2, NM_001366143.2, NM_001366149.2); c.3376T>G, p.Phe1126Val (NM_001366142.2); c.3370T>G, p.Phe1124Val (NM_001366146.2); c.3445T>G, p.Phe1149Val (NM_001366147.2, NM_001366152.2); c.3415T>G, p.Phe1139Val (NM_001366148.2); c.3304T>G, p.Phe1102Val (NM_001366150.2); c.2911T>G, p.Phe971Val (NM_001366154.2, NM_024971.7); and 5 more; short protein forms F1102V, F1112V, F1114V, F1124V, F1126V, F1139V, F1149V, F949V.
Identifiers: ClinVar variation 2576847 (VCV002576847.1), dbSNP rs2538312900, ClinGen allele CA373553974.

ClinVar aggregate classification (germline): Uncertain significance (1 of 4 stars; one submission).

Submission:

GeneDx
Classification: Uncertain significance. Last evaluated: 2023-02-15. Review status: criteria provided, single submitter. Criteria: GeneDx Variant Classification Process June 2021. Collection method: clinical testing. Allele origin: germline. Affected: yes.
Comment: Not observed at significant frequency in large population cohorts (gnomAD); In silico analysis supports that this missense variant has a deleterious effect on protein structure/function; Has not been previously published as pathogenic or benign to our knowledge